The following is an entry in ClinVar:

NM_021098.3(CACNA1H):c.3729C>T (p.Asp1243=)

Gene: CACNA1H (calcium voltage-gated channel subunit alpha1 H; plus strand). Cytogenetic location: 16p13.3.
Variant type: single nucleotide variant.
Coding change: c.3729C>T on transcript NM_021098.3 (MANE Select); coding-DNA position 3729, C replaced by T.
Protein change: p.Asp1243=; no amino-acid change (aspartic acid 1243 retained).
Molecular consequence: synonymous variant.
Genome position (GRCh38, 1-based): chr16:1,209,397, C>T. VCF-style: chr16-1209397-C-T. GRCh37 (hg19) VCF-style: chr16-1259397-C-T.
Other names: c.3729C>T, p.Asp1243= (NM_001005407.2).
Identifiers: ClinVar variation 3052580 (VCV003052580.2), dbSNP rs780289958, ClinGen allele CA493020868.

ClinVar aggregate classification (germline): Likely benign (0 of 4 stars; one submission).

Conditions:
CACNA1H-related disorder.

Allele frequency attached by ClinVar (database versions not stated): TOPMed below 0.00001.

Submission:

PreventionGenetics, part of Exact Sciences
Classification: Likely benign for CACNA1H-related condition. Last evaluated: 2019-09-04. Review status: no assertion criteria provided. Collection method: clinical testing. Allele origin: germline.
Comment: This variant is classified as likely benign based on ACMG/AMP sequence variant interpretation guidelines (Richards et al. 2015 PMID: 25741868, with internal and published modifications).